The following is an entry in ClinVar:

NM_001243279.3(ACSF3):c.1628del (p.Pro543fs)

Gene: ACSF3 (acyl-CoA synthetase family member 3; plus strand). Cytogenetic location: 16q24.3.
Variant type: Deletion.
Coding change: c.1628del on transcript NM_001243279.3 (MANE Select); coding-DNA position 1628, one base deleted (C; older notation c.1628delC).
Protein change: p.Pro543fs; shifts the reading frame from proline 543.
Molecular consequence: frameshift variant. On other transcripts: non-coding transcript variant (4).
Genome position (GRCh38, 1-based): chr16:89,154,104, C deleted; the last of 4 consecutive C bases (chr16:89,154,101-89,154,104); deleting any one gives the same sequence. VCF-style (leftmost placement, unchanged base first): chr16-89154100-GC-G. GRCh37 (hg19) VCF-style: chr16-89220508-GC-G.
Other names: c.1628del, p.Pro543fs (NM_001127214.4, NM_174917.5); c.833del, p.Pro278fs (NM_001284316.2); short protein forms P278fs, P543fs.
Identifiers: ClinVar variation 4066359 (VCV004066359.2).

ClinVar aggregate classification (germline): Likely pathogenic (1 of 4 stars; one submission).

Conditions:
Combined malonic and methylmalonic acidemia. Identifiers: Orphanet 289504, MedGen C3280314, MONDO:0013661, OMIM 614265.

Submission:

Natera, Inc.
Classification: Likely pathogenic for Combined malonic and methylmalonic aciduria. Last evaluated: 2025-01-09. Review status: criteria provided, single submitter. Criteria: Natera Variant Classification Schema (03/2026). Collection method: clinical testing. Allele origin: germline.
Comment: The c.1628del variant in ACSF3 is a frameshift variant predicted to elongate the protein beyond the termination codon. This variant is expected to result in nonsense mediated decay, truncation, or a dysfunctional protein product. This variant is rare in the general population with a frequency below the threshold expected for the associated phenotype(s). Given the available evidence, this variant is classified as Likely Pathogenic.